The following is an entry in ClinVar:

NM_000038.6(APC):c.6731G>T (p.Ser2244Ile)

Gene: APC (APC regulator of Wnt signaling pathway; plus strand). Cytogenetic location: 5q22.2.
Variant type: single nucleotide variant.
Coding change: c.6731G>T on transcript NM_000038.6 (MANE Select); coding-DNA position 6731, G replaced by T.
Protein change: p.Ser2244Ile; replaces serine 2244 with isoleucine.
Molecular consequence: missense variant. On other transcripts: non-coding transcript variant (2).
Genome position (GRCh38, 1-based): chr5:112,842,325, G>T. VCF-style: chr5-112842325-G-T. GRCh37 (hg19) VCF-style: chr5-112178022-G-T.
Other names: c.6731G>T, p.Ser2244Ile (NM_001127510.3, NM_001354895.2, NM_001407450.1); c.6677G>T, p.Ser2226Ile (NM_001127511.3); c.6785G>T, p.Ser2262Ile (NM_001354896.2, NM_001407447.1, NM_001407448.1 and 1 more transcripts); c.6761G>T, p.Ser2254Ile (NM_001354897.2); c.6656G>T, p.Ser2219Ile (NM_001354898.2); c.6647G>T, p.Ser2216Ile (NM_001354899.2); c.6608G>T, p.Ser2203Ile (NM_001354900.2); c.6554G>T, p.Ser2185Ile (NM_001354901.2, NM_001407453.1); and 11 more; short protein forms S2115I, S2185I, S2216I, S2254I, S1961I, S2219I, S2226I, S2234I.
Identifiers: ClinVar variation 2566984 (VCV002566984.2), dbSNP rs2149971719, ClinGen allele CA16036042.

ClinVar aggregate classification (germline): Uncertain significance (1 of 4 stars; one submission).

Conditions:
Hereditary cancer-predisposing syndrome. Also called: Hereditary neoplastic syndrome; Hereditary Cancer Syndrome; Neoplastic Syndromes, Hereditary; Tumor predisposition. Identifiers: Orphanet 140162, MedGen C0027672, MeSH D009386, MONDO:0015356.

Submission:

Ambry Genetics
Classification: Uncertain significance for Hereditary cancer-predisposing syndrome. Last evaluated: 2023-04-18. Review status: criteria provided, single submitter. Criteria: Ambry Variant Classification Scheme 2023. Collection method: clinical testing. Allele origin: germline.
Comment: The p.S2244I variant (also known as c.6731G>T), located in coding exon 15 of the APC gene, results from a G to T substitution at nucleotide position 6731. The serine at codon 2244 is replaced by isoleucine, an amino acid with dissimilar properties. This amino acid position is conserved. In addition, in silico predictors for this gene do not accurately predict pathogenicity. Since supporting evidence is limited at this time, the clinical significance of this alteration remains unclear.